The following is an entry in ClinVar:

ClinVar aggregate classification (germline): Pathogenic. Review status: reviewed by expert panel (3 of 4 stars). 5 submissions from 5 submitters: Pathogenic (1). 4 of the submissions do not count toward it. Last evaluated 2016-10-18.

Conditions:
Breast-ovarian cancer, familial, susceptibility to, 2 (BROVCA2). Also called: BRCA2 Hereditary Breast and Ovarian Cancer. Identifiers: Orphanet 145, MedGen C2675520, MONDO:0012933, OMIM 612555. Disease mechanism: loss of function.
Hereditary cancer-predisposing syndrome. Also called: Hereditary neoplastic syndrome; Neoplastic Syndromes, Hereditary; Tumor predisposition; Hereditary Cancer Syndrome. Identifiers: Orphanet 140162, MedGen C0027672, MeSH D009386, MONDO:0015356.
Hereditary breast ovarian cancer syndrome. Also called: BRCA1- and BRCA2-Associated Hereditary Breast and Ovarian Cancer; Hereditary breast and ovarian cancer; Breast and ovarian cancer; Hereditary breast and/or ovarian cancer syndrome; Hereditary breast and ovarian cancer syndrome; Hereditary breast and ovarian cancer syndrome (HBOC). Identifiers: Orphanet 145, MedGen C0677776, MeSH D061325, MONDO:0003582. Disease mechanism: loss of function.

Submissions (5):

Evidence-based Network for the Interpretation of Germline Mutant Alleles (ENIGMA)
Classification: Pathogenic for Breast-ovarian cancer, familial, susceptibility to, 2. Last evaluated: 2016-10-18. Review status: reviewed by expert panel. Criteria: ENIGMA BRCA1/2 Classification Criteria (2015). Collection method: curation. Allele origin: germline.
Comment: Variant allele predicted to encode a truncated non-functional protein.

Labcorp Genetics (formerly Invitae), Labcorp
Classification: Pathogenic for Hereditary breast ovarian cancer syndrome. Last evaluated: 2022-01-28. Review status: criteria provided, single submitter. Criteria: Invitae Variant Classification Sherloc (09022015). Collection method: clinical testing. Allele origin: germline. Not counted in ClinVar's aggregate classification.
Comment: For these reasons, this variant has been classified as Pathogenic. ClinVar contains an entry for this variant (Variation ID: 267101). This premature translational stop signal has been observed in individual(s) with an increased risk of breast and/or ovarian cancer (PMID: 29446198). This variant is not present in population databases (gnomAD no frequency). This sequence change creates a premature translational stop signal (p.Lys2882Asnfs*9) in the BRCA2 gene. It is expected to result in an absent or disrupted protein product. Loss-of-function variants in BRCA2 are known to be pathogenic (PMID: 20104584).

Ambry Genetics
Classification: Pathogenic for Hereditary cancer-predisposing syndrome. Last evaluated: 2018-11-05. Review status: criteria provided, single submitter. Criteria: Ambry Variant Classification Scheme 2023. Collection method: clinical testing. Allele origin: germline. Not counted in ClinVar's aggregate classification.
Comment: The c.8646delA pathogenic mutation, located in coding exon 20 of the BRCA2 gene, results from a deletion of one nucleotide at nucleotide position 8646, causing a translational frameshift with a predicted alternate stop codon (p.K2882Nfs*9). This alteration is expected to result in loss of function by premature protein truncation or nonsense-mediated mRNA decay. As such, this alteration is interpreted as a disease-causing mutation.

GeneDx
Classification: Pathogenic. Last evaluated: 2016-04-27. Review status: criteria provided, single submitter. Criteria: GeneDx Variant Classification (06012015). Collection method: clinical testing. Allele origin: germline. Affected: yes. Not counted in ClinVar's aggregate classification.
Comment: This deletion of one nucleotide in BRCA2 is denoted c.8646delA at the cDNA level and p.Lys2882AsnfsX9 (K2882NfsX9) at the protein level. The normal sequence, with the base that is deleted in braces, is CAAA[A]CCAT. The deletion causes a frameshift which changes a Lysine to an Asparagine at codon 2882, and creates a premature stop codon at position 9 of the new reading frame. Although this variant has not, to our knowledge, been reported in the literature, it is predicted to cause loss of normal protein function through either protein truncation or nonsense-mediated mRNA decay. We consider this variant to be pathogenic.

Consortium of Investigators of Modifiers of BRCA1/2 (CIMBA), c/o University of Cambridge
Classification: Pathogenic for Breast-ovarian cancer, familial, susceptibility to, 2. Last evaluated: 2015-10-02. Review status: criteria provided, single submitter. Criteria: CIMBA Mutation Classification guidelines May 2016. Collection method: clinical testing. Allele origin: germline. Not counted in ClinVar's aggregate classification.

Literature cited by the submitters: PubMed 29446198 (cited by Labcorp Genetics (formerly Invitae), Labcorp); PubMed 20104584 (cited by Labcorp Genetics (formerly Invitae), Labcorp).

NM_000059.4(BRCA2):c.8646del (p.Lys2882fs)

Gene: BRCA2 (BRCA2 DNA repair associated; plus strand). Cytogenetic location: 13q13.1.
Variant type: Deletion.
Coding change: c.8646del on transcript NM_000059.4 (MANE Select); coding-DNA position 8646, one base deleted (A; older notation c.8646delA).
Protein change: p.Lys2882fs; shifts the reading frame from lysine 2882.
Molecular consequence: frameshift variant.
Genome position (GRCh38, 1-based): chr13:32,376,683, A deleted; the last of 4 consecutive A bases (chr13:32,376,680-32,376,683); deleting any one gives the same sequence. VCF-style (leftmost placement, unchanged base first): chr13-32376679-CA-C. GRCh37 (hg19) VCF-style: chr13-32950816-CA-C.
Other names: 8874delA; c.8646delA (NM_000059.3).
Identifiers: ClinVar variation 267101 (VCV000267101.16), dbSNP rs886040785, ClinGen allele CA10589511.